The following is an entry in ClinVar:

ClinVar aggregate classification (germline): Uncertain significance (1 of 4 stars; one submission).

Allele frequency attached by ClinVar (database versions not stated): gnomAD 0.00001; TOPMed 0.00001; ExAC 0.00003.
gnomAD v4.1: 14 of 1,613,588 alleles (0.00087%); highest among the groups gnomAD compares: Admixed American, 0.01%; no homozygotes.

Submission:

Labcorp Genetics (formerly Invitae), Labcorp
Classification: Uncertain significance. Last evaluated: 2022-08-21. Review status: criteria provided, single submitter. Criteria: Invitae Variant Classification Sherloc (09022015). Collection method: clinical testing. Allele origin: germline.
Comment: This sequence change replaces arginine, which is basic and polar, with glutamine, which is neutral and polar, at codon 416 of the OCA2 protein (p.Arg416Gln). This variant is present in population databases (rs750843354, gnomAD 0.009%). This variant has not been reported in the literature in individuals affected with OCA2-related conditions. Advanced modeling of protein sequence and biophysical properties (such as structural, functional, and spatial information, amino acid conservation, physicochemical variation, residue mobility, and thermodynamic stability) performed at Invitae indicates that this missense variant is not expected to disrupt OCA2 protein function. In summary, the available evidence is currently insufficient to determine the role of this variant in disease. Therefore, it has been classified as a Variant of Uncertain Significance.

NM_000275.3(OCA2):c.1247G>A (p.Arg416Gln)

Gene: OCA2 (OCA2 melanosomal transmembrane protein; minus strand). Cytogenetic location: 15q13.1.
Variant type: single nucleotide variant.
Coding change: c.1247G>A on transcript NM_000275.3 (MANE Select); coding-DNA position 1247, G replaced by A.
Protein change: p.Arg416Gln; replaces arginine 416 with glutamine.
Molecular consequence: missense variant.
Genome position (GRCh38, 1-based): chr15:27,985,181, C>T on the plus strand (G>A on the coding strand, the complement: OCA2 is on the minus strand). VCF-style: chr15-27985181-C-T. GRCh37 (hg19) VCF-style: chr15-28230327-C-T.
Other names: c.1175G>A, p.Arg392Gln (NM_001300984.2); short protein forms R416Q, R392Q.
Identifiers: ClinVar variation 1964999 (VCV001964999.2), dbSNP rs750843354, ClinGen allele CA7439103.
Genomic context (GRCh38, chr15:27,985,181, plus strand): 5'-AGGACGGCCGCGATGAGACAGAGCATGATGATCATGGCCCACACCCGTCCCCGGGAGAGC[C>T]GGTATGCCTGGCCACACACACACAGAGAGAGTACAAGCCAGAGTGAGCAGGCTCGTAGAA-3'
Protein context (NP_000266.2, residues 406-426): FFDYCAVKAY[Arg416Gln]LSRGRVWAMI